The following is an entry in ClinVar:

NM_014714.4(IFT140):c.2388G>A (p.Lys796=)

Gene: IFT140 (intraflagellar transport 140; minus strand). Cytogenetic location: 16p13.3.
Variant type: single nucleotide variant.
Coding change: c.2388G>A on transcript NM_014714.4 (MANE Select); coding-DNA position 2388, G replaced by A.
Protein change: p.Lys796=; no amino-acid change (lysine 796 retained).
Molecular consequence: synonymous variant.
Genome position (GRCh38, 1-based): chr16:1,557,946, C>T on the plus strand (G>A on the coding strand, the complement: IFT140 is on the minus strand). VCF-style: chr16-1557946-C-T. GRCh37 (hg19) VCF-style: chr16-1607947-C-T.
Other names: c.2388G>A (NM_014714.3).
Identifiers: ClinVar variation 1080875 (VCV001080875.11), dbSNP rs761593016, ClinGen allele CA7813922.

ClinVar aggregate classification (germline): Likely benign. Review status: criteria provided, multiple submitters, no conflicts (2 of 4 stars). 3 submissions from 3 submitters: Likely benign (3). Last evaluated 2025-08-26.

Conditions:
IFT140-related disorder. Also called: IFT140-related condition.
Saldino-Mainzer syndrome (SRTD9). Also called: short-rib thoracic dysplasia 9 with or without polydactyly; CONORENAL SYNDROME; Renal dysplasia, retinal pigmentary dystrophy, cerebellar ataxia and skeletal dysplasia; SHORT-RIB THORACIC DYSPLASIA 9 WITHOUT POLYDACTYLY. Identifiers: Orphanet 140969, MedGen C1849437, MONDO:0009964, OMIM 266920.

Allele frequency attached by ClinVar (database versions not stated): ExAC 0.00006; gnomAD 0.00013; gnomAD exomes 0.00014; TOPMed 0.00022.
gnomAD v4.1: 241 of 1,613,594 alleles (0.015%); highest among the groups gnomAD compares: Admixed American, 0.047%; no homozygotes.

Submissions (3):

Labcorp Genetics (formerly Invitae), Labcorp
Classification: Likely benign for Saldino-Mainzer syndrome. Last evaluated: 2025-08-26. Review status: criteria provided, single submitter. Criteria: Invitae Variant Classification Sherloc (09022015). Collection method: clinical testing. Allele origin: germline.

PreventionGenetics, part of Exact Sciences
Classification: Likely benign for IFT140-related condition. Last evaluated: 2024-10-16. Review status: criteria provided, single submitter. Criteria: ACMG Guidelines, 2015. Collection method: clinical testing. Allele origin: germline.
Comment: This variant is classified as likely benign based on ACMG/AMP sequence variant interpretation guidelines (Richards et al. 2015 PMID: 25741868, with internal and published modifications).

Blueprint Genetics
Classification: Likely benign. Last evaluated: 2024-02-07. Review status: criteria provided, single submitter. Criteria: ACMG Guidelines, 2015. Collection method: clinical testing. Allele origin: germline.